The following is an entry in ClinVar:

ClinVar aggregate classification (germline): Pathogenic (1 of 4 stars; one submission).

Conditions:
Arrhythmogenic right ventricular dysplasia 10. Also called: Arrhythmogenic Right Ventricular Dysplasia/Cardiomyopathy10; ARRHYTHMOGENIC RIGHT VENTRICULAR DYSPLASIA, FAMILIAL, 10; Arrhythmogenic right ventricular dysplasia/cardiomyopathy, type 10. Identifiers: MedGen C1857777, MONDO:0012434, OMIM 610193.

Submission:

Labcorp Genetics (formerly Invitae), Labcorp
Classification: Pathogenic for Arrhythmogenic right ventricular dysplasia 10. Last evaluated: 2021-05-29. Review status: criteria provided, single submitter. Criteria: Invitae Variant Classification Sherloc (09022015). Collection method: clinical testing. Allele origin: germline.
Comment: For these reasons, this variant has been classified as Pathogenic. Algorithms developed to predict the effect of sequence changes on RNA splicing suggest that this variant may create or strengthen a splice site, but this prediction has not been confirmed by published transcriptional studies. This variant has not been reported in the literature in individuals with DSG2-related conditions. This variant is not present in population databases (ExAC no frequency). This sequence change creates a premature translational stop signal (p.Ile220Thrfs*11) in the DSG2 gene. It is expected to result in an absent or disrupted protein product. Loss-of-function variants in DSG2 are known to be pathogenic (PMID: 23381804, 23911551).

Literature cited by the submitters: PubMed 23381804; PubMed 23911551.

NM_001943.5(DSG2):c.613_658dup (p.Ile220delinsThrCysLeuSerSerSerValLeuProLysTer)

Gene: DSG2 (desmoglein 2; plus strand). Cytogenetic location: 18q12.1.
Variant type: Duplication.
Coding change: c.613_658dup on transcript NM_001943.5 (MANE Select); coding-DNA positions 613 to 658, 46 bases duplicated.
Protein change: p.Ile220delinsThrCysLeuSerSerSerValLeuProLysTer.
Molecular consequence: nonsense.
Genome position (GRCh38, 1-based): chr18:31,522,172-31,522,217, 46 bases duplicated. GRCh37 (hg19): chr18:29,102,135-29,102,180.
Identifiers: ClinVar variation 1387457 (VCV001387457.6), dbSNP rs2144317934, ClinGen allele CA2573155176.